The following is an entry in ClinVar:

NM_000030.3(AGXT):c.763G>A (p.Asp255Asn)

Gene: AGXT (alanine--glyoxylate aminotransferase; plus strand). Cytogenetic location: 2q37.3.
Variant type: single nucleotide variant.
Coding change: c.763G>A on transcript NM_000030.3 (MANE Select); coding-DNA position 763, G replaced by A.
Protein change: p.Asp255Asn; replaces aspartic acid 255 with asparagine.
Molecular consequence: missense variant.
Genome position (GRCh38, 1-based): chr2:240,875,191, G>A. VCF-style: chr2-240875191-G-A. GRCh37 (hg19) VCF-style: chr2-241814608-G-A.
Other names: short protein forms D255N.
Identifiers: ClinVar variation 2064669 (VCV002064669.4), dbSNP rs547633289, ClinGen allele CA2209229.
Genomic context (GRCh38, chr2:240,875,191, plus strand): 5'-ACGAAGCCCTTCTCCTTCTACCTGGACATCAAGTGGCTGGCCAACTTCTGGGGCTGTGAC[G>A]ACCAGCCCAGGATGTGAGGCCTGGCAGGGATGGGAAGGTGGAGGGCGCTGGGCATGGCTG-3'
Protein context (NP_000021.1, residues 245-265): KWLANFWGCD[Asp255Asn]QPRMYHHTIP

ClinVar aggregate classification (germline): Uncertain significance. Review status: criteria provided, multiple submitters, no conflicts (2 of 4 stars). 3 submissions from 3 submitters: Uncertain significance (3). Last evaluated 2025-01-07.

Conditions:
Primary hyperoxaluria, type I (HP1). Also called: GLYCOLIC ACIDURIA; HEPATIC AGT DEFICIENCY; OXALOSIS I; Primary hyperoxaluria type 1. Identifiers: Orphanet 416, Orphanet 93598, MedGen C0268164, MONDO:0009823, OMIM 259900. Disease mechanism: loss of function.

Allele frequency attached by ClinVar (database versions not stated): gnomAD exomes 0.00001; ExAC 0.00003; gnomAD 0.00010; TOPMed 0.00013.
gnomAD v4.1: 33 of 1,612,558 alleles (0.002%); highest among the groups gnomAD compares: African/African-American, 0.031%; no homozygotes.

Submissions (3):

Greenwood Genetic Center Diagnostic Laboratories, Greenwood Genetic Center
Classification: Uncertain significance. Last evaluated: 2025-01-07. Review status: criteria provided, single submitter. Criteria: ACMG Guidelines, 2015. Collection method: clinical testing. Allele origin: germline.
Comment: BP4

Fulgent Genetics
Classification: Uncertain significance for Primary hyperoxaluria, type I. Last evaluated: 2024-06-05. Review status: criteria provided, single submitter. Criteria: ACMG Guidelines, 2015. Collection method: clinical testing. Allele origin: germline.

Labcorp Genetics (formerly Invitae), Labcorp
Classification: Uncertain significance. Last evaluated: 2024-02-24. Review status: criteria provided, single submitter. Criteria: Invitae Variant Classification Sherloc (09022015). Collection method: clinical testing. Allele origin: germline.
Comment: This sequence change replaces aspartic acid, which is acidic and polar, with asparagine, which is neutral and polar, at codon 255 of the AGXT protein (p.Asp255Asn). This variant is present in population databases (rs547633289, gnomAD 0.02%). This variant has not been reported in the literature in individuals affected with AGXT-related conditions. ClinVar contains an entry for this variant (Variation ID: 2064669). Algorithms developed to predict the effect of missense changes on protein structure and function output the following: SIFT: "Not Available"; PolyPhen-2: "Benign"; Align-GVGD: "Not Available". The asparagine amino acid residue is found in multiple mammalian species, which suggests that this missense change does not adversely affect protein function. In summary, the available evidence is currently insufficient to determine the role of this variant in disease. Therefore, it has been classified as a Variant of Uncertain Significance.